The following is an entry in ClinVar:

ClinVar aggregate classification (germline): Likely benign (1 of 4 stars; one submission).

Conditions:
ZSWIM6-related disorder. Also called: ZSWIM6-related condition.

Submission:

PreventionGenetics, part of Exact Sciences
Classification: Likely benign for ZSWIM6-related condition. Last evaluated: 2025-12-03. Review status: criteria provided, single submitter. Criteria: ACMG Guidelines, 2015. Collection method: clinical testing. Allele origin: germline.
Comment: This variant is classified as likely benign based on ACMG/AMP sequence variant interpretation guidelines (Richards et al. 2015 PMID: 25741868, with internal and published modifications).

NM_020928.2(ZSWIM6):c.495_519del (p.Ala166fs)

Gene: ZSWIM6 (zinc finger SWIM-type containing 6; plus strand). Cytogenetic location: 5q12.1.
Variant type: Deletion.
Coding change: c.495_519del on transcript NM_020928.2 (MANE Select); coding-DNA positions 495 to 519, 25 bases deleted (CGCAACCTCGGCCGCCGCCGCCGCT).
Protein change: p.Ala166fs; shifts the reading frame from alanine 166.
Molecular consequence: frameshift variant.
Genome position (GRCh38, 1-based): chr5:61,332,767-61,332,791, CGCAACCTCGGCCGCCGCCGCCGCT deleted. VCF-style (leftmost placement, unchanged base first): chr5-61332766-CCGCAACCTCGGCCGCCGCCGCCGCT-C. GRCh37 (hg19) VCF-style: chr5-60628593-CCGCAACCTCGGCCGCCGCCGCCGCT-C.
Other names: short protein forms A166fs.
Identifiers: ClinVar variation 4986330 (VCV004986330.1).